The following is an entry in ClinVar:

NM_174858.3(AK5):c.1314C>T (p.Gly438=)

Gene: AK5 (adenylate kinase 5; plus strand). Cytogenetic location: 1p31.1.
Variant type: single nucleotide variant.
Coding change: c.1314C>T on transcript NM_174858.3 (MANE Select); coding-DNA position 1314, C replaced by T.
Protein change: p.Gly438=; no amino-acid change (glycine 438 retained).
Molecular consequence: synonymous variant.
Genome position (GRCh38, 1-based): chr1:77,521,829, C>T. VCF-style: chr1-77521829-C-T. GRCh37 (hg19) VCF-style: chr1-77987514-C-T.
Other names: c.1236C>T, p.Gly412= (NM_012093.4).
Identifiers: ClinVar variation 2638890 (VCV002638890.24), dbSNP rs148262226, ClinGen allele CA916531.

ClinVar aggregate classification (germline): Likely benign (1 of 4 stars; one submission).

Allele frequency attached by ClinVar (database versions not stated): gnomAD exomes 0.00001; ExAC 0.00006; gnomAD 0.00009; TOPMed 0.00012; ESP Exome Variant Server 0.00023.
gnomAD v4.1: 32 of 1,612,598 alleles (0.002%); highest among the groups gnomAD compares: African/African-American, 0.029%; no homozygotes.

Submission:

CeGaT Center for Human Genetics Tuebingen
Classification: Likely benign. Last evaluated: 2022-09-01. Review status: criteria provided, single submitter. Criteria: CeGaT Center For Human Genetics Tuebingen Variant Classification Criteria Version 2. Collection method: clinical testing. Allele origin: germline. Affected: yes. Observed: 1 variant allele.
Comment: AK5: BP4, BP7